The following is an entry in ClinVar:

ClinVar aggregate classification (germline): Uncertain significance (1 of 4 stars; one submission).

Conditions:
Charcot-Marie-Tooth disease type 2R. Also called: CHARCOT-MARIE-TOOTH DISEASE, AXONAL, AUTOSOMAL RECESSIVE, TYPE 2R; CHARCOT-MARIE-TOOTH NEUROPATHY, TYPE 2R; Charcot-Marie-Tooth disease, axonal, type 2R. Identifiers: Orphanet 397968, MedGen C3809655, MONDO:0014208, OMIM 615490.

gnomAD v4.1: 1 of 1,611,310 alleles (0.000062%); highest among the groups gnomAD compares: Non-Finnish European, 0.000085%; no homozygotes.

Submission:

Labcorp Genetics (formerly Invitae), Labcorp
Classification: Uncertain significance for Charcot-Marie-Tooth disease type 2R. Last evaluated: 2020-02-05. Review status: criteria provided, single submitter. Criteria: Invitae Variant Classification Sherloc (09022015). Collection method: clinical testing. Allele origin: germline.
Comment: Algorithms developed to predict the effect of missense changes on protein structure and function are either unavailable or do not agree on the potential impact of this missense change (SIFT: "Deleterious"; PolyPhen-2: "Benign"; Align-GVGD: "Class C0"). In summary, the available evidence is currently insufficient to determine the role of this variant in disease. Therefore, it has been classified as a Variant of Uncertain Significance. This sequence change replaces serine with cysteine at codon 495 of the TRIM2 protein (p.Ser495Cys). The serine residue is highly conserved and there is a moderate physicochemical difference between serine and cysteine. This variant is not present in population databases (ExAC no frequency). This variant has not been reported in the literature in individuals with TRIM2-related conditions.

NM_015271.5(TRIM2):c.1565C>G (p.Ser522Cys)

Gene: TRIM2 (tripartite motif containing 2; plus strand). Cytogenetic location: 4q31.3.
Variant type: single nucleotide variant.
Coding change: c.1565C>G on transcript NM_015271.5 (MANE Select); coding-DNA position 1565, C replaced by G.
Protein change: p.Ser522Cys; replaces serine 522 with cysteine.
Molecular consequence: missense variant.
Genome position (GRCh38, 1-based): chr4:153,315,539, C>G. VCF-style: chr4-153315539-C-G. GRCh37 (hg19) VCF-style: chr4-154236691-C-G.
Other names: c.1484C>G, p.Ser495Cys (NM_001130067.2, NM_001351056.2, NM_001375512.1 and 5 more transcripts); c.1538C>G, p.Ser513Cys (NM_001351054.2); c.1535C>G, p.Ser512Cys (NM_001351055.2); c.1109C>G, p.Ser370Cys (NM_001351057.2); c.1658C>G, p.Ser553Cys (NM_001375488.1); c.1655C>G, p.Ser552Cys (NM_001375489.1); c.1508C>G, p.Ser503Cys (NM_001375490.1); c.1505C>G, p.Ser502Cys (NM_001375491.1); and 3 more; short protein forms S370C, S409C, S410C, S411C, S495C, S502C, S503C, S512C.
Identifiers: ClinVar variation 1018394 (VCV001018394.9), dbSNP rs1767402219, ClinGen allele CA358467809.
Genomic context (GRCh38, chr4:153,315,539, plus strand): 5'-TTTTAGGTACCAAAGGAAGAAATAAAGGAGAGTTTACAAATCTTCAGGGGGTAGCTGCAT[C>G]TACAAATGGAAAGATATTAATTGCAGACAGTAACAACCAATGTGTGCAGGTATAGCCCCT-3'
Protein context (NP_056086.2, residues 512-532): EFTNLQGVAA[Ser522Cys]TNGKILIADS